The following is an entry in ClinVar:

ClinVar aggregate classification (germline): Uncertain significance (1 of 4 stars; one submission).

Conditions:
Cystic fibrosis (CF). Also called: MUCOVISCIDOSIS. Identifiers: Orphanet 586, MedGen C0010674, MONDO:0009061, OMIM 219700. Disease mechanism: loss of function.

Submission:

Ambry Genetics
Classification: Uncertain significance for Cystic fibrosis. Last evaluated: 2026-07-30. Review status: criteria provided, single submitter. Criteria: Ambry Variant Classification Scheme 2023. Collection method: clinical testing. Allele origin: germline.
Comment: The p.L935P variant (also known as c.2804T>C), located in coding exon 17 of the CFTR gene, results from a T to C substitution at nucleotide position 2804. The leucine at codon 935 is replaced by proline, an amino acid with similar properties. This amino acid position is conserved. In addition, this alteration is predicted to be deleterious by in silico analysis. Based on the available evidence, the clinical significance of this variant remains unclear.

NM_000492.4(CFTR):c.2804T>C (p.Leu935Pro)

Gene: CFTR (CF transmembrane conductance regulator; plus strand). Cytogenetic location: 7q31.2.
Variant type: single nucleotide variant.
Coding change: c.2804T>C on transcript NM_000492.4 (MANE Select); coding-DNA position 2804, T replaced by C.
Protein change: p.Leu935Pro; replaces leucine 935 with proline.
Molecular consequence: missense variant.
Genome position (GRCh38, 1-based): chr7:117,603,678, T>C. VCF-style: chr7-117603678-T-C. GRCh37 (hg19) VCF-style: chr7-117243732-T-C.
Other names: short protein forms L935P.
Identifiers: ClinVar variation 5034451 (VCV005034451.1).
Genomic context (GRCh38, chr7:117,603,678, plus strand): 5'-TGTTTTACATTTACGTGGGAGTAGCCGACACTTTGCTTGCTATGGGATTCTTCAGAGGTC[T>C]ACCACTGGTGCATACTCTAATCACAGTGTCGAAAATTTTACACCACAAAATGTTACATTC-3'
Protein context (NP_000483.3, residues 925-945): TLLAMGFFRG[Leu935Pro]PLVHTLITVS